The following is an entry in ClinVar:

NM_000098.3(CPT2):c.371G>C (p.Arg124Pro)

Gene: CPT2 (carnitine palmitoyltransferase 2; plus strand). Cytogenetic location: 1p32.3.
Variant type: single nucleotide variant.
Coding change: c.371G>C on transcript NM_000098.3 (MANE Select); coding-DNA position 371, G replaced by C.
Protein change: p.Arg124Pro; replaces arginine 124 with proline.
Molecular consequence: missense variant.
Genome position (GRCh38, 1-based): chr1:53,210,045, G>C. VCF-style: chr1-53210045-G-C. GRCh37 (hg19) VCF-style: chr1-53675717-G-C.
Other names: c.371G>C, p.Arg124Pro (NM_001330589.2); short protein forms R124P.
Identifiers: ClinVar variation 430363 (VCV000430363.12), dbSNP rs1131691925, ClinGen allele CA340391892.

ClinVar aggregate classification (germline): Conflicting classifications of pathogenicity. Review status: criteria provided, conflicting classifications (1 of 4 stars). 3 submissions from 3 submitters: Likely pathogenic (2); Uncertain significance (1). Last evaluated 2026-07-31.

Conditions:
Carnitine palmitoyltransferase II deficiency. Also called: Carnitine Palmitoyltransferase 2 Deficiency. Identifiers: Orphanet 157, MedGen C0342790, MONDO:0015515.

Submissions (3):

GeneDx
Classification: Likely pathogenic. Last evaluated: 2026-07-31. Review status: criteria provided, single submitter. Criteria: GeneDx Variant Classification Process June 2021. Collection method: clinical testing. Allele origin: germline.
Comment: Not observed at significant frequency in large population cohorts (gnomAD); In silico analysis supports that this missense variant has a deleterious effect on protein structure/function; This variant is associated with the following publications: (PMID: 33726816)

Labcorp Genetics (formerly Invitae), Labcorp
Classification: Likely pathogenic for Carnitine palmitoyltransferase II deficiency. Last evaluated: 2022-07-01. Review status: criteria provided, single submitter. Criteria: Invitae Variant Classification Sherloc (09022015). Collection method: clinical testing. Allele origin: germline.
Comment: In summary, the currently available evidence indicates that the variant is pathogenic, but additional data are needed to prove that conclusively. Therefore, this variant has been classified as Likely Pathogenic. This variant disrupts the p.Arg124 amino acid residue in CPT2. Other variant(s) that disrupt this residue have been determined to be pathogenic (PMID: 12673791). This suggests that this residue is clinically significant, and that variants that disrupt this residue are likely to be disease-causing. Advanced modeling of protein sequence and biophysical properties (such as structural, functional, and spatial information, amino acid conservation, physicochemical variation, residue mobility, and thermodynamic stability) performed at Invitae indicates that this missense variant is expected to disrupt CPT2 protein function. ClinVar contains an entry for this variant (Variation ID: 430363). This variant has not been reported in the literature in individuals affected with CPT2-related conditions. This variant is not present in population databases (gnomAD no frequency). This sequence change replaces arginine, which is basic and polar, with proline, which is neutral and non-polar, at codon 124 of the CPT2 protein (p.Arg124Pro).

Eurofins Ntd Llc (ga)
Classification: Uncertain significance. Last evaluated: 2018-07-31. Review status: criteria provided, single submitter. Criteria: EGL ClinVar v180209 classification definitions. Collection method: clinical testing. Allele origin: germline.

Literature cited by the submitters: PubMed 12673791 (cited by Labcorp Genetics (formerly Invitae), Labcorp).